The following is an entry in ClinVar:

ClinVar aggregate classification (germline): Likely benign. Review status: criteria provided, multiple submitters, no conflicts (2 of 4 stars). 4 submissions from 4 submitters: Likely benign (4). Last evaluated 2025-11-25.

Conditions:
Cardiovascular phenotype. Identifiers: MedGen CN230736.
TTN-related disorder. Also called: TTN-related condition; TTN-related disease; TTN-related disorders.
Dilated cardiomyopathy 1G (CMD1G). Identifiers: Orphanet 154, MedGen C1858763, MONDO:0011400, OMIM 604145.
Autosomal recessive limb-girdle muscular dystrophy type 2J (LGMDR10). Also called: Limb-girdle muscular dystrophy, type 2J; MUSCULAR DYSTROPHY, LIMB-GIRDLE, AUTOSOMAL RECESSIVE 10. Identifiers: Orphanet 140922, MedGen C1837342, MONDO:0012127, OMIM 608807.

Allele frequency attached by ClinVar (database versions not stated): gnomAD exomes below 0.00001 and 0.00002; ExAC 0.00003; gnomAD 0.00005 and 0.00006; TOPMed 0.00006; ESP Exome Variant Server 0.00008; 1000 Genomes Project 0.00020; 1000 Genomes Project 30x 0.00031.
gnomAD v4.1: 14 of 1,601,666 alleles (0.00087%); highest among the groups gnomAD compares: African/African-American, 0.017%; no homozygotes.

Submissions (4):

Labcorp Genetics (formerly Invitae), Labcorp
Classification: Likely benign for Dilated cardiomyopathy 1G; Autosomal recessive limb-girdle muscular dystrophy type 2J. Last evaluated: 2025-11-25. Review status: criteria provided, single submitter. Criteria: Invitae Variant Classification Sherloc (09022015). Collection method: clinical testing. Allele origin: germline.

PreventionGenetics, part of Exact Sciences
Classification: Likely benign for TTN-related condition. Last evaluated: 2025-06-04. Review status: criteria provided, single submitter. Criteria: ACMG Guidelines, 2015. Collection method: clinical testing. Allele origin: germline.
Comment: This variant is classified as likely benign based on ACMG/AMP sequence variant interpretation guidelines (Richards et al. 2015 PMID: 25741868, with internal and published modifications).

Ambry Genetics
Classification: Likely benign for Cardiovascular phenotype. Last evaluated: 2022-04-11. Review status: criteria provided, single submitter. Criteria: Ambry Variant Classification Scheme 2023. Collection method: clinical testing. Allele origin: germline.

Laboratory for Molecular Medicine, Mass General Brigham Personalized Medicine
Classification: Likely benign. Last evaluated: 2012-03-19. Review status: criteria provided, single submitter. Criteria: LMM Criteria. Collection method: clinical testing. Allele origin: germline. Observed: 1 variant allele.
Comment: p.Tyr30859Tyr in Exon 306 of TTN: This variant is not expected to have clinical significance because it does not alter an amino acid residue, is not located wit hin the splice consensus sequence. It has been identified in 1/3052 African Amer ican chromosomes from a broad population by the NHLBI Exome Sequencing Project.

NM_001267550.2(TTN):c.100281C>T (p.Tyr33427=)

Genes: TTN (titin; minus strand), TTN-AS1 (TTN antisense RNA 1; plus strand), LOC126806420 (BRD4-independent group 4 enhancer GRCh37_chr2:179401104-179402303; plus strand). Cytogenetic location: 2q31.2.
Variant type: single nucleotide variant.
Coding change: c.100281C>T on transcript NM_001267550.2 (MANE Select); coding-DNA position 100281, C replaced by T.
Protein change: p.Tyr33427=; no amino-acid change (tyrosine 33427 retained).
Molecular consequence: synonymous variant.
Genome position (GRCh38, 1-based): chr2:178,536,466, G>A on the plus strand (C>T on the coding strand, the complement: TTN is on the minus strand). VCF-style: chr2-178536466-G-A. GRCh37 (hg19) VCF-style: chr2-179401193-G-A.
Other names: c.95358C>T, p.Tyr31786= (NM_001256850.1); c.73086C>T, p.Tyr24362= (NM_003319.4); c.73461C>T, p.Tyr24487= (NM_133432.3); c.73662C>T, p.Tyr24554= (NM_133437.4); c.92577C>T, p.Tyr30859= (NM_133378.4).
Identifiers: ClinVar variation 165665 (VCV000165665.17), dbSNP rs373085562, ClinGen allele CA178388.